The following is an entry in ClinVar:

ClinVar aggregate classification (germline): Uncertain significance (1 of 4 stars; one submission).

Allele frequency attached by ClinVar (database versions not stated): gnomAD exomes below 0.00001.
gnomAD v4.1: 6 of 1,610,782 alleles (0.00037%); highest among the groups gnomAD compares: Non-Finnish European, 0.00042%; no homozygotes.

Submission:

Labcorp Genetics (formerly Invitae), Labcorp
Classification: Uncertain significance. Last evaluated: 2022-08-15. Review status: criteria provided, single submitter. Criteria: Invitae Variant Classification Sherloc (09022015). Collection method: clinical testing. Allele origin: germline.
Comment: This variant has not been reported in the literature in individuals affected with LIG1-related conditions. This variant is not present in population databases (gnomAD no frequency). This sequence change falls in intron 14 of the LIG1 gene. It does not directly change the encoded amino acid sequence of the LIG1 protein. It affects a nucleotide within the consensus splice site. Variants that disrupt the consensus splice site are a relatively common cause of aberrant splicing (PMID: 17576681, 9536098). Algorithms developed to predict the effect of sequence changes on RNA splicing suggest that this variant is not likely to affect RNA splicing. In summary, the available evidence is currently insufficient to determine the role of this variant in disease. Therefore, it has been classified as a Variant of Uncertain Significance. ClinVar contains an entry for this variant (Variation ID: 1466567).

Literature cited by the submitters: PubMed 17576681; PubMed 9536098.

NM_000234.3(LIG1):c.1331+3A>G

Gene: LIG1 (DNA ligase 1; minus strand). Cytogenetic location: 19q13.33.
Variant type: single nucleotide variant.
Coding change: c.1331+3A>G on transcript NM_000234.3 (MANE Select); 3 bases into the intron after coding-DNA position 1331, A replaced by G.
Molecular consequence: intron variant.
Genome position (GRCh38, 1-based): chr19:48,137,005, T>C on the plus strand (A>G on the coding strand, the complement: LIG1 is on the minus strand). VCF-style: chr19-48137005-T-C. GRCh37 (hg19) VCF-style: chr19-48640262-T-C.
Other names: c.1238+3A>G (NM_001289063.2); c.1241+3A>G (NM_001320971.2); c.1127+3A>G (NM_001289064.2); c.1328+3A>G (NM_001320970.2).
Identifiers: ClinVar variation 1466567 (VCV001466567.5), dbSNP rs1489446553, ClinGen allele CA633577060.